The following is an entry in ClinVar:

ClinVar aggregate classification (germline): Uncertain significance (1 of 4 stars; one submission).

Submission:

Labcorp Genetics (formerly Invitae), Labcorp
Classification: Uncertain significance. Last evaluated: 2022-10-04. Review status: criteria provided, single submitter. Criteria: Invitae Variant Classification Sherloc (09022015). Collection method: clinical testing. Allele origin: germline.
Comment: This sequence change replaces proline, which is neutral and non-polar, with threonine, which is neutral and polar, at codon 5 of the SCP2 protein (p.Pro5Thr). This variant is not present in population databases (gnomAD no frequency). This variant has not been reported in the literature in individuals affected with SCP2-related conditions. Algorithms developed to predict the effect of missense changes on protein structure and function (SIFT, PolyPhen-2, Align-GVGD) all suggest that this variant is likely to be tolerated. In summary, the available evidence is currently insufficient to determine the role of this variant in disease. Therefore, it has been classified as a Variant of Uncertain Significance.

NM_002979.5(SCP2):c.13C>A (p.Pro5Thr)

Gene: SCP2 (sterol carrier protein 2; plus strand). Cytogenetic location: 1p32.3.
Variant type: single nucleotide variant.
Coding change: c.13C>A on transcript NM_002979.5 (MANE Select); coding-DNA position 13, C replaced by A.
Protein change: p.Pro5Thr; replaces proline 5 with threonine.
Molecular consequence: missense variant. On other transcripts: 5 prime UTR variant (1).
Genome position (GRCh38, 1-based): chr1:52,927,409, C>A. VCF-style: chr1-52927409-C-A. GRCh37 (hg19) VCF-style: chr1-53393081-C-A.
Other names: c.13C>A, p.Pro5Thr (NM_001007098.3, NM_001193599.2, NM_001193600.2 and 1 more transcripts); c.-173C>A (NM_001193617.2); short protein forms P5T.
Identifiers: ClinVar variation 2097480 (VCV002097480.4), dbSNP rs1044388788, ClinGen allele CA340384428.